The following is an entry in ClinVar:

ClinVar aggregate classification (germline): Likely benign (1 of 4 stars; one submission).

Submission:

GeneDx
Classification: Likely benign. Last evaluated: 2017-06-29. Review status: criteria provided, single submitter. Criteria: GeneDx Variant Classification (06012015). Collection method: clinical testing. Allele origin: germline. Affected: yes.
Comment: This variant is considered likely benign or benign based on one or more of the following criteria: it is a conservative change, it occurs at a poorly conserved position in the protein, it is predicted to be benign by multiple in silico algorithms, and/or has population frequency not consistent with disease.

NM_032043.3(BRIP1):c.-32A>G

Gene: BRIP1 (BRCA1 interacting helicase 1; minus strand). Cytogenetic location: 17q23.2.
Variant type: single nucleotide variant.
Coding change: c.-32A>G on transcript NM_032043.3 (MANE Select); 32 bases upstream of the start codon, A replaced by G.
Molecular consequence: 5 prime UTR variant.
Genome position (GRCh38, 1-based): chr17:61,863,285, T>C on the plus strand (A>G on the coding strand, the complement: BRIP1 is on the minus strand). VCF-style: chr17-61863285-T-C. GRCh37 (hg19) VCF-style: chr17-59940646-T-C.
Identifiers: ClinVar variation 379365 (VCV000379365.1), dbSNP rs1057520586, ClinGen allele CA16607424.